The following is an entry in ClinVar:

NM_012213.3(MLYCD):c.136C>G (p.Arg46Gly)

Genes: MLYCD (malonyl-CoA decarboxylase; plus strand), LOC130059554 (ATAC-STARR-seq lymphoblastoid silent region 7769; plus strand). Cytogenetic location: 16q23.3.
Variant type: single nucleotide variant.
Coding change: c.136C>G on transcript NM_012213.3 (MANE Select); coding-DNA position 136, C replaced by G.
Protein change: p.Arg46Gly; replaces arginine 46 with glycine.
Molecular consequence: missense variant.
Genome position (GRCh38, 1-based): chr16:83,899,280, C>G. VCF-style: chr16-83899280-C-G. GRCh37 (hg19) VCF-style: chr16-83932885-C-G.
Other names: short protein forms R46G.
Identifiers: ClinVar variation 2444521 (VCV002444521.1), dbSNP rs1906687064, ClinGen allele CA396917716.

ClinVar aggregate classification (germline): Uncertain significance (1 of 4 stars; one submission).

Submission:

GeneDx
Classification: Uncertain significance. Last evaluated: 2022-09-15. Review status: criteria provided, single submitter. Criteria: GeneDx Variant Classification Process June 2021. Collection method: clinical testing. Allele origin: germline. Affected: yes.
Comment: Not observed at significant frequency in large population cohorts (gnomAD); In silico analysis supports that this missense variant does not alter protein structure/function; Has not been previously published as pathogenic or benign to our knowledge